The following is an entry in ClinVar:

ClinVar aggregate classification (germline): Likely benign (0 of 4 stars; one submission).

Conditions:
PLEC-related disorder. Also called: PLEC-related condition; PLEC-related disorders.

Allele frequency attached by ClinVar (database versions not stated): gnomAD 0.00001; TOPMed 0.00001.
gnomAD v4.1: 8 of 1,612,816 alleles (0.0005%); highest among the groups gnomAD compares: Admixed American, 0.0083%; no homozygotes.

Submission:

PreventionGenetics, part of Exact Sciences
Classification: Likely benign for PLEC-related condition. Last evaluated: 2019-06-12. Review status: no assertion criteria provided. Collection method: clinical testing. Allele origin: germline.
Comment: This variant is classified as likely benign based on ACMG/AMP sequence variant interpretation guidelines (Richards et al. 2015 PMID: 25741868, with internal and published modifications).

NM_201384.3(PLEC):c.489G>A (p.Lys163=)

Gene: PLEC (plectin; minus strand). Cytogenetic location: 8q24.3.
Variant type: single nucleotide variant.
Coding change: c.489G>A on transcript NM_201384.3 (MANE Select); coding-DNA position 489, G replaced by A.
Protein change: p.Lys163=; no amino-acid change (lysine 163 retained).
Molecular consequence: synonymous variant.
Genome position (GRCh38, 1-based): chr8:143,935,961, C>T on the plus strand (G>A on the coding strand, the complement: PLEC is on the minus strand). VCF-style: chr8-143935961-C-T. GRCh37 (hg19) VCF-style: chr8-145010129-C-T.
Other names: c.570G>A, p.Lys190= (NM_000445.5, NM_001410941.1); c.447G>A, p.Lys149= (NM_201378.4); c.423G>A, p.Lys141= (NM_201379.3); c.900G>A, p.Lys300= (NM_201380.4); c.393G>A, p.Lys131= (NM_201381.3); c.489G>A, p.Lys163= (NM_201382.4); c.501G>A, p.Lys167= (NM_201383.3).
Identifiers: ClinVar variation 3033104 (VCV003033104.2), dbSNP rs781925929, ClinGen allele CA4928420.